The following is an entry in ClinVar:

ClinVar aggregate classification (germline): Uncertain significance (1 of 4 stars; one submission).

Submission:

GeneDx
Classification: Uncertain significance. Last evaluated: 2022-04-02. Review status: criteria provided, single submitter. Criteria: GeneDx Variant Classification Process June 2021. Collection method: clinical testing. Allele origin: germline. Affected: yes.
Comment: Not observed at significant frequency in large population cohorts (gnomAD); In silico analysis supports that this missense variant has a deleterious effect on protein structure/function; Has not been previously published as pathogenic or benign to our knowledge

NM_018026.4(PACS1):c.2648A>G (p.Asn883Ser)

Gene: PACS1 (phosphofurin acidic cluster sorting protein 1; plus strand). Cytogenetic location: 11q13.2.
Variant type: single nucleotide variant.
Coding change: c.2648A>G on transcript NM_018026.4 (MANE Select); coding-DNA position 2648, A replaced by G.
Protein change: p.Asn883Ser; replaces asparagine 883 with serine.
Molecular consequence: missense variant.
Genome position (GRCh38, 1-based): chr11:66,241,645, A>G. VCF-style: chr11-66241645-A-G. GRCh37 (hg19) VCF-style: chr11-66009116-A-G.
Other names: short protein forms N883S.
Identifiers: ClinVar variation 1707771 (VCV001707771.2), dbSNP rs2495608266, ClinGen allele CA381383456.